The following is an entry in ClinVar:

NM_152866.3(MS4A1):c.-279-10del

Gene: MS4A1 (membrane spanning 4-domains A1; plus strand). Cytogenetic location: 11q12.2.
Variant type: Deletion.
Coding change: c.-279-10del on transcript NM_152866.3 (MANE Select); 10 bases into the intron before 279 bases upstream of the start codon, one base deleted (A; older notation c.-279-10delA).
Molecular consequence: intron variant.
Genome position (GRCh38, 1-based): chr11:60,461,062, A deleted; the last of 5 consecutive A bases (chr11:60,461,058-60,461,062); deleting any one gives the same sequence. VCF-style (leftmost placement, unchanged base first): chr11-60461057-CA-C. GRCh37 (hg19) VCF-style: chr11-60228530-CA-C.
Other names: c.-190-1123del (NM_152867.2); c.-16-1297del (NM_021950.4).
Identifiers: ClinVar variation 2431671 (VCV002431671.2), dbSNP rs2495394538, ClinGen allele CA2580084335.
Genomic context (GRCh38, chr11:60,461,057, plus strand): 5'-ACATGGGTTCTTTGCATACATTTATTTCTTCAATAATATTTATTAAGAAGTAACTAAATC[CA>C]AAAATTATTTTAGATCCTGAACAAGAGAGAACAAAATCTCTACTTTGATGGAACTTCCAT-3'

ClinVar aggregate classification (germline): Uncertain significance (1 of 4 stars; one submission).

Conditions:
Immunodeficiency, common variable, 5. Also called: ANTIBODY DEFICIENCY DUE TO CD20 DEFECT. Identifiers: Orphanet 1572, MedGen C3150740, MONDO:0013285, OMIM 613495.

Submission:

Laboratorio de Genetica e Diagnostico Molecular, Hospital Israelita Albert Einstein
Classification: Uncertain significance for Immunodeficiency, common variable, 5. Last evaluated: 2023-01-27. Review status: criteria provided, single submitter. Criteria: ACMG Guidelines, 2015. Collection method: clinical testing. Allele origin: germline. Affected: yes.
Comment: ACMG classification criteria: PM2 moderated